The following is an entry in ClinVar:

ClinVar aggregate classification (germline): Uncertain significance (1 of 4 stars; one submission).

Conditions:
Long QT syndrome (LQTS). Identifiers: MedGen C0023976, MeSH D008133, MONDO:0002442. Disease mechanism: loss of function. Inheritance: Various modes of inheritance.

Submission:

Labcorp Genetics (formerly Invitae), Labcorp
Classification: Uncertain significance for Long QT syndrome. Last evaluated: 2024-02-12. Review status: criteria provided, single submitter. Criteria: Invitae Variant Classification Sherloc (09022015). Collection method: clinical testing. Allele origin: germline.
Comment: This sequence change replaces glutamine, which is neutral and polar, with histidine, which is basic and polar, at codon 827 of the CACNA1C protein (p.Gln827His). This variant is not present in population databases (gnomAD no frequency). This variant has not been reported in the literature in individuals affected with CACNA1C-related conditions. Advanced modeling of protein sequence and biophysical properties (such as structural, functional, and spatial information, amino acid conservation, physicochemical variation, residue mobility, and thermodynamic stability) has been performed at Invitae for this missense variant, however the output from this modeling did not meet the statistical confidence thresholds required to predict the impact of this variant on CACNA1C protein function. In summary, the available evidence is currently insufficient to determine the role of this variant in disease. Therefore, it has been classified as a Variant of Uncertain Significance.

NM_000719.7(CACNA1C):c.2481G>C (p.Gln827His)

Gene: CACNA1C (calcium voltage-gated channel subunit alpha1 C; plus strand). Cytogenetic location: 12p13.33.
Variant type: single nucleotide variant.
Coding change: c.2481G>C on transcript NM_000719.7 (MANE Select); coding-DNA position 2481, G replaced by C.
Protein change: p.Gln827His; replaces glutamine 827 with histidine.
Molecular consequence: missense variant.
Genome position (GRCh38, 1-based): chr12:2,585,855, G>C. VCF-style: chr12-2585855-G-C. GRCh37 (hg19) VCF-style: chr12-2695021-G-C.
Other names: c.2481G>C, p.Gln827His (NM_001129838.2, NM_001129839.2, NM_001129827.2 and 18 more transcripts); c.2472G>C, p.Gln824His (NM_001129844.2); short protein forms Q824H, Q827H.
Identifiers: ClinVar variation 3012478 (VCV003012478.3), dbSNP rs2153232494, ClinGen allele CA383371928.